The following is an entry in ClinVar:

NM_014991.6(WDFY3):c.5962C>G (p.Leu1988Val)

Gene: WDFY3 (WD repeat and FYVE domain containing 3; minus strand). Cytogenetic location: 4q21.23.
Variant type: single nucleotide variant.
Coding change: c.5962C>G on transcript NM_014991.6 (MANE Select); coding-DNA position 5962, C replaced by G.
Protein change: p.Leu1988Val; replaces leucine 1988 with valine.
Molecular consequence: missense variant.
Genome position (GRCh38, 1-based): chr4:84,751,494, G>C on the plus strand (C>G on the coding strand, the complement: WDFY3 is on the minus strand). VCF-style: chr4-84751494-G-C. GRCh37 (hg19) VCF-style: chr4-85672647-G-C.
Other names: short protein forms L1988V.
Identifiers: ClinVar variation 3384509 (VCV003384509.1).

ClinVar aggregate classification (germline): Uncertain significance (1 of 4 stars; one submission).

Submission:

GeneDx
Classification: Uncertain significance. Last evaluated: 2024-06-03. Review status: criteria provided, single submitter. Criteria: GeneDx Variant Classification Process June 2021. Collection method: clinical testing. Allele origin: germline. Affected: yes.
Comment: Not observed at significant frequency in large population cohorts (gnomAD); In silico analysis indicates that this missense variant does not alter protein structure/function; Has not been previously published as pathogenic or benign to our knowledge